The following is an entry in ClinVar:

NM_000136.3(FANCC):c.132C>G (p.Phe44Leu)

Gene: FANCC (FA complementation group C; minus strand). Cytogenetic location: 9q22.32.
Variant type: single nucleotide variant.
Coding change: c.132C>G on transcript NM_000136.3 (MANE Select); coding-DNA position 132, C replaced by G.
Protein change: p.Phe44Leu; replaces phenylalanine 44 with leucine.
Molecular consequence: missense variant.
Genome position (GRCh38, 1-based): chr9:95,249,160, G>C on the plus strand (C>G on the coding strand, the complement: FANCC is on the minus strand). VCF-style: chr9-95249160-G-C. GRCh37 (hg19) VCF-style: chr9-98011442-G-C.
Other names: c.132C>G, p.Phe44Leu (NM_001243743.2, NM_001243744.2); short protein forms F44L.
Identifiers: ClinVar variation 4641128 (VCV004641128.1).

ClinVar aggregate classification (germline): Uncertain significance (1 of 4 stars; one submission).

Conditions:
Hereditary cancer-predisposing syndrome. Also called: Neoplastic Syndromes, Hereditary; Tumor predisposition; Hereditary Cancer Syndrome; Hereditary neoplastic syndrome. Identifiers: Orphanet 140162, MedGen C0027672, MeSH D009386, MONDO:0015356.

Submission:

Ambry Genetics
Classification: Uncertain significance for Hereditary cancer-predisposing syndrome. Last evaluated: 2025-10-23. Review status: criteria provided, single submitter. Criteria: Ambry Variant Classification Scheme 2023. Collection method: clinical testing. Allele origin: germline.
Comment: The p.F44L variant (also known as c.132C>G), located in coding exon 1 of the FANCC gene, results from a C to G substitution at nucleotide position 132. The phenylalanine at codon 44 is replaced by leucine, an amino acid with highly similar properties. This amino acid position is conserved. In addition, the in silico prediction for this alteration is inconclusive. Based on the available evidence, the clinical significance of this variant remains unclear.